The following is an entry in ClinVar:

ClinVar aggregate classification (germline): Likely benign (1 of 4 stars; one submission).

Submission:

GeneDx
Classification: Likely benign. Last evaluated: 2015-10-19. Review status: criteria provided, single submitter. Criteria: GeneDx Variant Classification (06012015). Collection method: clinical testing. Allele origin: germline. Affected: yes.
Comment: This variant is considered likely benign or benign based on one or more of the following criteria: it is a conservative change, it occurs at a poorly conserved position in the protein, it is predicted to be benign by multiple in silico algorithms, and/or has population frequency not consistent with disease.

NM_021830.5(TWNK):c.30C>T (p.Pro10=)

Gene: TWNK (twinkle mtDNA helicase; plus strand). Cytogenetic location: 10q24.31.
Variant type: single nucleotide variant.
Coding change: c.30C>T on transcript NM_021830.5 (MANE Select); coding-DNA position 30, C replaced by T.
Protein change: p.Pro10=; no amino-acid change (proline 10 retained).
Molecular consequence: synonymous variant. On other transcripts: non-coding transcript variant (4), intron variant (3).
Genome position (GRCh38, 1-based): chr10:100,988,240, C>T. VCF-style: chr10-100988240-C-T. GRCh37 (hg19) VCF-style: chr10-102747997-C-T.
Other names: c.30C>T, p.Pro10= (NM_001163812.2); c.-120+627C>T (NM_001163814.2, NM_001163813.2); c.-58+627C>T (NM_001368275.1).
Identifiers: ClinVar variation 380984 (VCV000380984.1), dbSNP rs759909116, ClinGen allele CA5653007.